The following is an entry in ClinVar:

NM_001130823.3(DNMT1):c.3278T>C (p.Met1093Thr)

Gene: DNMT1 (DNA methyltransferase 1; minus strand). Cytogenetic location: 19p13.2.
Variant type: single nucleotide variant.
Coding change: c.3278T>C on transcript NM_001130823.3 (MANE Select); coding-DNA position 3278, T replaced by C.
Protein change: p.Met1093Thr; replaces methionine 1093 with threonine.
Molecular consequence: missense variant.
Genome position (GRCh38, 1-based): chr19:10,142,059, A>G on the plus strand (T>C on the coding strand, the complement: DNMT1 is on the minus strand). VCF-style: chr19-10142059-A-G. GRCh37 (hg19) VCF-style: chr19-10252735-A-G.
Other names: c.3230T>C, p.Met1077Thr (NM_001318730.2, NM_001379.4); c.2915T>C, p.Met972Thr (NM_001318731.2); short protein forms M1077T, M1093T, M972T.
Identifiers: ClinVar variation 934008 (VCV000934008.9), dbSNP rs370075258, ClinGen allele CA305222124.

ClinVar aggregate classification (germline): Uncertain significance (1 of 4 stars; one submission).

Conditions:
Hereditary sensory neuropathy-deafness-dementia syndrome. Also called: HSN IE; NEUROPATHY, HEREDITARY SENSORY, WITH HEARING LOSS AND DEMENTIA; Hereditary sensory neuropathy type IE; Hereditary Sensory and Autonomic Neuropathy Type 1E (HSAN1E). Identifiers: Orphanet 456318, MedGen C3279885, MONDO:0013584, OMIM 614116.

Allele frequency attached by ClinVar (database versions not stated): gnomAD 0.00001; ESP Exome Variant Server 0.00008.

Submission:

Labcorp Genetics (formerly Invitae), Labcorp
Classification: Uncertain significance for Hereditary sensory neuropathy-deafness-dementia syndrome. Last evaluated: 2024-10-24. Review status: criteria provided, single submitter. Criteria: Invitae Variant Classification Sherloc (09022015). Collection method: clinical testing. Allele origin: germline.
Comment: This sequence change replaces methionine, which is neutral and non-polar, with threonine, which is neutral and polar, at codon 1093 of the DNMT1 protein (p.Met1093Thr). This variant is not present in population databases (gnomAD no frequency). This variant has not been reported in the literature in individuals affected with DNMT1-related conditions. ClinVar contains an entry for this variant (Variation ID: 934008). Invitae Evidence Modeling of protein sequence and biophysical properties (such as structural, functional, and spatial information, amino acid conservation, physicochemical variation, residue mobility, and thermodynamic stability) indicates that this missense variant is not expected to disrupt DNMT1 protein function with a negative predictive value of 80%. In summary, the available evidence is currently insufficient to determine the role of this variant in disease. Therefore, it has been classified as a Variant of Uncertain Significance.